The following is an entry in ClinVar:

ClinVar aggregate classification (germline): Pathogenic (1 of 4 stars; one submission).

Submission:

Labcorp Genetics (formerly Invitae), Labcorp
Classification: Pathogenic. Last evaluated: 2022-07-19. Review status: criteria provided, single submitter. Criteria: Invitae Variant Classification Sherloc (09022015). Collection method: clinical testing. Allele origin: germline.
Comment: This variant is a gross deletion of the genomic region encompassing exon(s) 15-22 of the EYS gene. This deletion is out-of-frame, and is expected to create a premature termination codon and result in an absent or disrupted protein product. Loss-of-function variants in EYS are known to be pathogenic (PMID: 18836446, 20333770). A similar copy number variant has been observed in individual(s) with autosomal recessive retinitis pigmentosa (PMID: 26766544). For these reasons, this variant has been classified as Pathogenic.

Literature cited by the submitters: PubMed 18836446; PubMed 20333770; PubMed 26766544.

NC_000006.11:g.(?_65523261)_(65655817_?)del

Gene: EYS (eyes shut homolog; minus strand). Cytogenetic location: 6q12.
Variant type: Deletion.
Identifiers: ClinVar variation 1458923 (VCV001458923.6).